The following is an entry in ClinVar:

NM_001195518.2(MICU1):c.547C>T (p.Gln183Ter)

Gene: MICU1 (mitochondrial calcium uptake 1; minus strand). Cytogenetic location: 10q22.1.
Variant type: single nucleotide variant.
Coding change: c.547C>T on transcript NM_001195518.2 (MANE Select); coding-DNA position 547, C replaced by T.
Protein change: p.Gln183Ter; replaces glutamine 183 with a stop codon.
Molecular consequence: nonsense. On other transcripts: intron variant (1).
Genome position (GRCh38, 1-based): chr10:72,508,260, G>A on the plus strand (C>T on the coding strand, the complement: MICU1 is on the minus strand). VCF-style: chr10-72508260-G-A. GRCh37 (hg19) VCF-style: chr10-74268018-G-A.
Other names: MICU1, GLN185TER (rs755651388); c.565C>T, p.Gln189Ter (NM_001363513.2); c.553C>T, p.Gln185Ter (NM_006077.4); c.58+15542C>T (NM_001195519.2); short protein forms Q185*, Q183*, Q189*.
Identifiers: ClinVar variation 265243 (VCV000265243.38), dbSNP rs777327250, ClinGen allele CA5550207.

ClinVar aggregate classification (germline): Conflicting classifications of pathogenicity. Review status: criteria provided, conflicting classifications (1 of 4 stars). 10 submissions from 10 submitters: Pathogenic (6); Likely pathogenic (1); Uncertain significance (1). 2 of the submissions do not count toward it. Last evaluated 2026-05-22.

Conditions:
MICU1-related disorder. Also called: MICU1-related condition.
Proximal myopathy with extrapyramidal signs. Also called: Myopathy with extrapyramidal signs. Identifiers: Orphanet 401768, MedGen C3810285, MONDO:0014300, OMIM 615673.
Abnormality of the nervous system. Also called: Congenital nervous system disorder. Identifiers: MedGen C0497552, MONDO:0002320, HP:0000707.

Allele frequency attached by ClinVar (database versions not stated): gnomAD 0.00001; TOPMed 0.00001; ExAC 0.00002; gnomAD exomes 0.00002 and 0.00003.
gnomAD v4.1: 43 of 1,497,540 alleles (0.0029%); highest among the groups gnomAD compares: Middle Eastern, 0.089%; no homozygotes.

Submissions (10):

PreventionGenetics, part of Exact Sciences
Classification: Pathogenic for MICU1-related condition. Last evaluated: 2026-05-22. Review status: criteria provided, single submitter. Criteria: ACMG Guidelines, 2015. Collection method: clinical testing. Allele origin: germline.
Comment: The MICU1 c.547C>T variant is predicted to result in premature protein termination (p.Gln183*). This variant has been reported in the homozygous or compound heterozygous state in many individuals with myopathy with extrapyramidal signs and is considered a founder variant in Middle Eastern populations (also referred to as NM_006077:c.553C>T (p.Gln185*); Supp. Table 2, Alfares et al. 2017. PubMed ID: 28454995; Musa. 2019. PubMed ID: 29721912; Supp. Table 2 Abolhassani et al. 2024. PubMed ID: 38374194). Clinical features of these individuals included skeletal abnormalities, dysmorphisms, elevated creatine kinase, motor and speech delays, learning disability, and poor growth with low weight and height (Musa. 2019. PubMed ID: 29721912). This variant is reported in 0.0033% of alleles in individuals of European (non-Finnish) descent in gnomAD. Nonsense variants in MICU1 are expected to be pathogenic. This variant is interpreted as pathogenic.

Labcorp Genetics (formerly Invitae), Labcorp
Classification: Pathogenic. Last evaluated: 2024-05-19. Review status: criteria provided, single submitter. Criteria: Invitae Variant Classification Sherloc (09022015). Collection method: clinical testing. Allele origin: germline.
Comment: This sequence change creates a premature translational stop signal (p.Gln185*) in the MICU1 gene. It is expected to result in an absent or disrupted protein product. Loss-of-function variants in MICU1 are known to be pathogenic (PMID: 24336167). The frequency data for this variant in the population databases is considered unreliable, as metrics indicate poor data quality at this position in the gnomAD database. This premature translational stop signal has been observed in individual(s) with MICU1-related conditions (PMID: 29721912). ClinVar contains an entry for this variant (Variation ID: 265243). For these reasons, this variant has been classified as Pathogenic.

Women's Health and Genetics/Laboratory Corporation of America, LabCorp
Classification: Pathogenic for Proximal myopathy with extrapyramidal signs. Last evaluated: 2024-04-26. Review status: criteria provided, single submitter. Criteria: LabCorp Variant Classification Summary - May 2015. Collection method: clinical testing. Allele origin: germline.
Comment: Variant summary: CBARA1 c.553C>T (p.Gln185X) results in a premature termination codon, predicted to cause a truncation of the encoded protein or absence of the protein due to nonsense mediated decay, which are commonly known mechanisms for disease. The variant allele was found at a frequency of 2e-05 in 204610 control chromosomes. c.553C>T has been reported in the literature in multiple individuals affected with MICU1 related conditions (Musa_2019). These data indicate that the variant is very likely to be associated with disease. To our knowledge, no experimental evidence demonstrating an impact on protein function has been reported. The following publication have been ascertained in the context of this evaluation (PMID: 29721912). ClinVar contains an entry for this variant (Variation ID: 265243). Based on the evidence outlined above, the variant was classified as pathogenic.

Genomic Medicine Center of Excellence, King Faisal Specialist Hospital and Research Centre
Classification: Uncertain significance for Proximal myopathy with extrapyramidal signs. Last evaluated: 2024-02-11. Review status: criteria provided, single submitter. Criteria: ACMG Guidelines, 2015. Collection method: research. Allele origin: germline.

GeneDx
Classification: Pathogenic. Last evaluated: 2022-05-09. Review status: criteria provided, single submitter. Criteria: GeneDx Variant Classification Process June 2021. Collection method: clinical testing. Allele origin: germline. Affected: yes.
Comment: Nonsense variant predicted to result in protein truncation or nonsense mediated decay in a gene for which loss-of-function is a known mechanism of disease; Not observed at significant frequency in large population cohorts (gnomAD); This variant is associated with the following publications: (PMID: 29288388, 31130284, 28454995, 30264509, 33428302, 30919572, 29721912)

Kariminejad - Najmabadi Pathology & Genetics Center
Classification: Pathogenic for Abnormality of the nervous system. Last evaluated: 2021-07-10. Review status: criteria provided, single submitter. Criteria: ACMG Guidelines, 2015. Collection method: clinical testing. Allele origin: germline. Affected: yes.

Blueprint Genetics
Classification: Likely pathogenic for MICU1-related disorders. Last evaluated: 2019-04-11. Review status: criteria provided, single submitter. Criteria: ACMG Guidelines, 2015. Collection method: clinical testing. Allele origin: germline. Affected: yes. Observed: 1 variant allele.

Pathology and Clinical Laboratory Medicine, King Fahad Medical City
Classification: Pathogenic for Proximal myopathy with extrapyramidal signs. Review status: criteria provided, single submitter. Criteria: ACMG Guidelines, 2015. Collection method: clinical testing. Allele origin: germline. Affected: yes. Observed: 3 variant alleles.

OMIM
Classification: Pathogenic for MYOPATHY WITH EXTRAPYRAMIDAL SIGNS. Last evaluated: 2021-06-24. Review status: no assertion criteria provided. Collection method: literature only. Allele origin: germline. Not counted in ClinVar's aggregate classification.

Biochemical Molecular Genetic Laboratory, King Abdulaziz Medical City
Classification: Likely pathogenic for Proximal myopathy with extrapyramidal signs. Last evaluated: 2019-09-26. Review status: no assertion criteria provided. Collection method: clinical testing. Allele origin: germline. Affected: yes. Not counted in ClinVar's aggregate classification.

Literature cited by the submitters: PubMed 24336167 (cited by Labcorp Genetics (formerly Invitae), Labcorp); PubMed 29721912 (cited by 3 submitters); PubMed 33428302 (cited by OMIM).